The following is an entry in ClinVar:

ClinVar aggregate classification (germline): Conflicting classifications of pathogenicity. Review status: criteria provided, conflicting classifications (1 of 4 stars). 12 submissions from 12 submitters: Pathogenic (5); Likely pathogenic (5); Uncertain significance (1). 1 of the submissions does not count toward it. Last evaluated 2026-01-05.

Conditions:
FANCA-related disorder. Also called: FANCA-related condition.
FANCA-related disorders.
Fanconi anemia (FA). Also called: Fanconi's anemia. Identifiers: Orphanet 84, MedGen C0015625, MeSH D005199, MONDO:0019391.
Fanconi anemia complementation group A (FANCA). Also called: FANCA-Related Fanconi Anemia; Fanconi anemia, group A. Identifiers: Orphanet 84, MedGen C3469521, MONDO:0009215, OMIM 227650.

Allele frequency attached by ClinVar (database versions not stated): TOPMed 0.00002; gnomAD 0.00006 and 0.00007; gnomAD exomes 0.00006 and 0.00010; ExAC 0.00010; ESP Exome Variant Server 0.00015.
gnomAD v4.1: 95 of 1,611,568 alleles (0.0059%); highest among the groups gnomAD compares: South Asian, 0.0055%; no homozygotes.

Submissions (12):

Labcorp Genetics (formerly Invitae), Labcorp
Classification: Pathogenic for Fanconi anemia. Last evaluated: 2026-01-05. Review status: criteria provided, single submitter. Criteria: Invitae Variant Classification Sherloc (09022015). Collection method: clinical testing. Allele origin: germline.
Comment: This sequence change affects codon 1208 of the FANCA mRNA. It is a 'silent' change, meaning that it does not change the encoded amino acid sequence of the FANCA protein. RNA analysis indicates that this variant induces altered splicing and may result in an absent or altered protein product. This variant is present in population databases (rs149797103, gnomAD 0.07%). This variant has been observed in individuals with clinical features of Fanconi anemia (PMID: 17924555, 22778927, 29098742, 38191666). ClinVar contains an entry for this variant (Variation ID: 419528). Studies have shown that this variant results in activation of a cryptic splice site, and produces a non-functional protein and/or introduces a premature termination codon (PMID: 38191666). For these reasons, this variant has been classified as Pathogenic.

Center for Genomic Medicine, Rigshospitalet, Copenhagen University Hospital
Classification: Likely pathogenic. Last evaluated: 2025-12-29. Review status: criteria provided, single submitter. Criteria: ACMG Guidelines, 2015. Collection method: clinical testing. Allele origin: germline.
Comment: Classification criteria: PS3, PM3, PP3

Natera, Inc.
Classification: Pathogenic for Fanconi anemia. Last evaluated: 2025-12-03. Review status: criteria provided, single submitter. Criteria: Natera Variant Classification Schema (03/2026). Collection method: clinical testing. Allele origin: germline.
Comment: The c.3624C>T variant in FANCA is a synonymous variant that does not alter the encoded amino acid at position 1208 (p.S1208=). This variant is rare in the general population with a frequency below the threshold expected for the associated phenotype(s). This variant has been observed in one or more individuals affected with the associated recessive disease, as either homozygous or compound heterozygous with a second variant (PMID: 38191666). Functional studies show that this variant may disrupt protein function (PMID: 38191666). Computational prediction algorithms indicate this variant is likely to affect gene or protein function. Given the available evidence, this variant is classified as Pathogenic.

CeGaT Center for Human Genetics Tuebingen
Classification: Pathogenic. Last evaluated: 2025-07-01. Review status: criteria provided, single submitter. Criteria: CeGaT Center For Human Genetics Tuebingen Variant Classification Criteria Version 2. Collection method: clinical testing. Allele origin: germline. Affected: yes. Observed: 2 variant alleles.
Comment: FANCA: PM3:Very Strong, PM2, PP3, PS3:Supporting

Women's Health and Genetics/Laboratory Corporation of America, LabCorp
Classification: Pathogenic for Fanconi anemia. Last evaluated: 2024-09-10. Review status: criteria provided, single submitter. Criteria: LabCorp Variant Classification Summary - May 2015. Collection method: clinical testing. Allele origin: germline.
Comment: Variant summary: FANCA c.3624C>T (p.Ser1208Ser) alters a non-conserved nucleotide located close to a canonical splice site and therefore could affect mRNA splicing, leading to a significantly altered protein sequence. Several computational tools predict a significant impact on normal splicing: One predict the variant abolishes a 5' splicing donor site. Two predict the variant weakens a 5' donor site. One predict the variant no significant impact on splicing. At least one publication reports experimental evidence that this variant affects mRNA splicing. The variant allele was found at a frequency of 9.7e-05 in 247702 control chromosomes. This frequency is not significantly higher than estimated for a pathogenic variant in FANCA causing Fanconi Anemia (9.7e-05 vs 0.0022), allowing no conclusion about variant significance. c.3624C>T has been reported in the literature in multiple individuals affected with Fanconi Anemia (e.g., Chandra_2005, Ameziane_2008, Gille_2012, Guidugli_2017, Kimble_2018). These data indicate that the variant is very likely to be associated with disease. The following publications have been ascertained in the context of this evaluation (PMID: 17924555, 16084127, 22778927, 28104920, 29098742). ClinVar contains an entry for this variant (Variation ID: 419528). Based on the evidence outlined above, the variant was classified as pathogenic.

Blueprint Genetics
Classification: Pathogenic for FANCA-related disorders. Last evaluated: 2024-07-18. Review status: criteria provided, single submitter. Criteria: ACMG Guidelines, 2015. Collection method: clinical testing. Allele origin: germline. Affected: yes. Observed: 5 variant alleles.

Fulgent Genetics
Classification: Likely pathogenic for Fanconi anemia complementation group A. Last evaluated: 2024-03-26. Review status: criteria provided, single submitter. Criteria: ACMG Guidelines, 2015. Collection method: clinical testing. Allele origin: germline.

Baylor Genetics
Classification: Likely pathogenic for Fanconi anemia complementation group A. Last evaluated: 2024-03-14. Review status: criteria provided, single submitter. Criteria: ACMG Guidelines, 2015. Collection method: clinical testing. Allele origin: unknown.

St. Jude Molecular Pathology, St. Jude Children's Research Hospital
Classification: Likely pathogenic for Fanconi anemia complementation group A. Last evaluated: 2023-05-31. Review status: criteria provided, single submitter. Criteria: St. Jude Assertion Criteria 2020. Collection method: clinical testing. Allele origin: germline.
Comment: The FANCA c.3624C>T (p.Ser1208=) synonymous change has a maximum founder subpopulation frequency of 0.055% and a maximum non-founder subpopulation frequency of 0.011% in gnomAD v2.1.1. Algorithms that predict the impact of sequence changes on splicing indicate that this change may activate a cryptic donor splice site. This variant has been reported in several individuals with Fanconi anemia (PMID: 17924555, 22778927, 28104920, 29098742, 35417938). In summary, this variant meets criteria to be classified as likely pathogenic.

GeneDx
Classification: Uncertain significance. Last evaluated: 2021-07-21. Review status: criteria provided, single submitter. Criteria: GeneDx Variant Classification Process June 2021. Collection method: clinical testing. Allele origin: germline. Affected: yes.
Comment: In silico analysis supports a deleterious effect on splicing (predicts destruction of the natural splice donor site and creation of a cryptic splice donor site in exon 36); This variant is associated with the following publications: (PMID: 29098742, 31618753, 17924555, no PMID, 16084127, 22778927, 25525159)

Genetic Services Laboratory, University of Chicago
Classification: Likely pathogenic for Fanconi anemia, complementation group A. Last evaluated: 2016-11-11. Review status: criteria provided, single submitter. Criteria: ACMG Guidelines, 2015. Collection method: clinical testing. Allele origin: germline. Affected: yes.

PreventionGenetics, part of Exact Sciences
Classification: Likely pathogenic for FANCA-related condition. Last evaluated: 2024-06-03. Review status: no assertion criteria provided. Collection method: clinical testing. Allele origin: germline. Not counted in ClinVar's aggregate classification.
Comment: The FANCA c.3624C>T variant is not predicted to result in an amino acid change (p.=). This variant was reported along with a second protein-truncating variant (nonsense, frameshift, start loss, and large exonic deletions) in at least six unrelated individuals with Fanconi anemia (Ameziane et al. 2008. PubMed ID: 17924555; Gille et al. 2012. PubMed ID: 22778927; Guidugli et al. 2017. PubMed ID: 28104920; Kimble et al. 2018. PubMed ID: 29098742; Table S5, Altintas et al. 2023. PubMed ID: 35417938). This variant is predicted to alter splicing based on available splicing prediction programs (Alamut Visual Plus v1.6.1) and this variant has been described to result in splicing errors on cDNA (Table 1, Ameziane et al. 2008. PubMed ID: 17924555). This variant is reported in 0.055% of alleles in individuals of European (Finnish) descent in gnomAD and is interpreted as pathogenic or likely pathogenic by most submitters in ClinVar. This variant is interpreted as likely pathogenic.

Literature cited by the submitters: PubMed 17924555 (cited by Labcorp Genetics (formerly Invitae), Labcorp and Women's Health and Genetics/Laboratory Corporation of America, LabCorp); PubMed 22778927 (cited by Labcorp Genetics (formerly Invitae), Labcorp and Women's Health and Genetics/Laboratory Corporation of America, LabCorp); PubMed 29098742 (cited by Labcorp Genetics (formerly Invitae), Labcorp and Women's Health and Genetics/Laboratory Corporation of America, LabCorp); PubMed 38191666 (cited by 3 submitters); PubMed 35988656 (cited by Center for Genomic Medicine, Rigshospitalet, Copenhagen University Hospital); PubMed 36744932 (cited by Center for Genomic Medicine, Rigshospitalet, Copenhagen University Hospital); PubMed 36451132 (cited by Center for Genomic Medicine, Rigshospitalet, Copenhagen University Hospital); PubMed 28104920 (cited by Women's Health and Genetics/Laboratory Corporation of America, LabCorp); PubMed 16084127 (cited by Women's Health and Genetics/Laboratory Corporation of America, LabCorp).

NM_000135.4(FANCA):c.3624C>T (p.Ser1208=)

Gene: FANCA (FA complementation group A; minus strand). Cytogenetic location: 16q24.3.
Variant type: single nucleotide variant.
Coding change: c.3624C>T on transcript NM_000135.4 (MANE Select); coding-DNA position 3624, C replaced by T.
Protein change: p.Ser1208=; no amino-acid change (serine 1208 retained).
Molecular consequence: synonymous variant.
Genome position (GRCh38, 1-based): chr16:89,744,961, G>A on the plus strand (C>T on the coding strand, the complement: FANCA is on the minus strand). VCF-style: chr16-89744961-G-A. GRCh37 (hg19) VCF-style: chr16-89811369-G-A.
Other names: c.3624C>T, p.Ser1208= (NM_001286167.3); c.3624C>T (LRG_495t1, NM_000135.3).
Identifiers: ClinVar variation 419528 (VCV000419528.57), dbSNP rs149797103, ClinGen allele CA8251077.
Genomic context (GRCh38, chr16:89,744,961, plus strand): 5'-TGAGCAGGTCCCGAAGTGCATCTGGGCGGGCACACCCCATCTCACCACCCACACGTACTC[G>A]CTGGCAAACTGCCGGCCTTCTTGTAGCTTCTGCAGTTCCCGGGGCAGCGGGCTCTGGCAG-3'
Protein context (NP_000126.2, residues 1198-1218): QKLQEGRQFA[Ser1208=]DFLSPEAASP